The following is an entry in ClinVar:

NM_000368.5(TSC1):c.1208C>A (p.Ser403Ter)

Gene: TSC1 (TSC complex subunit 1; minus strand). Cytogenetic location: 9q34.13.
Variant type: single nucleotide variant.
Coding change: c.1208C>A on transcript NM_000368.5 (MANE Select); coding-DNA position 1208, C replaced by A.
Protein change: p.Ser403Ter; replaces serine 403 with a stop codon.
Molecular consequence: nonsense.
Genome position (GRCh38, 1-based): chr9:132,910,626, G>T on the plus strand (C>A on the coding strand, the complement: TSC1 is on the minus strand). VCF-style: chr9-132910626-G-T. GRCh37 (hg19) VCF-style: chr9-135786013-G-T.
Other names: c.1205C>A, p.Ser402Ter (NM_001162426.2); c.1055C>A, p.Ser352Ter (NM_001162427.2); c.845C>A, p.Ser282Ter (NM_001362177.2); short protein forms S403*, S352*, S282*, S402*.
Identifiers: ClinVar variation 534465 (VCV000534465.6), dbSNP rs118203504, ClinGen allele CA375366947.

ClinVar aggregate classification (germline): Pathogenic (1 of 4 stars; one submission).

Conditions:
Tuberous sclerosis 1 (TSC1). Identifiers: Orphanet 805, MedGen C1854465, MONDO:0008612, OMIM 191100.

Submission:

Labcorp Genetics (formerly Invitae), Labcorp
Classification: Pathogenic for Tuberous sclerosis 1. Last evaluated: 2023-11-24. Review status: criteria provided, single submitter. Criteria: Invitae Variant Classification Sherloc (09022015). Collection method: clinical testing. Allele origin: germline.
Comment: This sequence change creates a premature translational stop signal (p.Ser403*) in the TSC1 gene. It is expected to result in an absent or disrupted protein product. Loss-of-function variants in TSC1 are known to be pathogenic (PMID: 10227394, 17304050). This variant is not present in population databases (gnomAD no frequency). This variant has not been reported in the literature in individuals affected with TSC1-related conditions. ClinVar contains an entry for this variant (Variation ID: 534465). Algorithms developed to predict the effect of sequence changes on RNA splicing suggest that this variant may disrupt the consensus splice site. For these reasons, this variant has been classified as Pathogenic.

Literature cited by the submitters: PubMed 10227394; PubMed 17304050.